The following is an entry in ClinVar:

NM_000424.4(KRT5):c.301G>A (p.Ala101Thr)

Gene: KRT5 (keratin 5; minus strand). Cytogenetic location: 12q13.13.
Variant type: single nucleotide variant.
Coding change: c.301G>A on transcript NM_000424.4 (MANE Select); coding-DNA position 301, G replaced by A.
Protein change: p.Ala101Thr; replaces alanine 101 with threonine.
Molecular consequence: missense variant.
Genome position (GRCh38, 1-based): chr12:52,519,996, C>T on the plus strand (G>A on the coding strand, the complement: KRT5 is on the minus strand). VCF-style: chr12-52519996-C-T. GRCh37 (hg19) VCF-style: chr12-52913780-C-T.
Other names: c.301G>A (NM_000424.3); short protein forms A101T.
Identifiers: ClinVar variation 1900463 (VCV001900463.7), dbSNP rs372204272, ClinGen allele CA6582872.

ClinVar aggregate classification (germline): Uncertain significance. Review status: criteria provided, multiple submitters, no conflicts (2 of 4 stars). 2 submissions from 2 submitters: Uncertain significance (2). Last evaluated 2024-10-17.

Conditions:
Inborn genetic diseases. Identifiers: MedGen C0950123, MeSH D030342.

Allele frequency attached by ClinVar (database versions not stated): gnomAD 0.00001; ExAC 0.00002; TOPMed 0.00003; gnomAD exomes 0.00004; ESP Exome Variant Server 0.00008.
gnomAD v4.1: 62 of 1,613,706 alleles (0.0038%); highest among the groups gnomAD compares: Non-Finnish European, 0.0052%; no homozygotes.

Submissions (2):

Labcorp Genetics (formerly Invitae), Labcorp
Classification: Uncertain significance. Last evaluated: 2024-10-17. Review status: criteria provided, single submitter. Criteria: Invitae Variant Classification Sherloc (09022015). Collection method: clinical testing. Allele origin: germline.
Comment: This sequence change replaces alanine, which is neutral and non-polar, with threonine, which is neutral and polar, at codon 101 of the KRT5 protein (p.Ala101Thr). This variant is present in population databases (rs372204272, gnomAD 0.006%). This variant has not been reported in the literature in individuals affected with KRT5-related conditions. ClinVar contains an entry for this variant (Variation ID: 1900463). Invitae Evidence Modeling of protein sequence and biophysical properties (such as structural, functional, and spatial information, amino acid conservation, physicochemical variation, residue mobility, and thermodynamic stability) indicates that this missense variant is not expected to disrupt KRT5 protein function with a negative predictive value of 95%. In summary, the available evidence is currently insufficient to determine the role of this variant in disease. Therefore, it has been classified as a Variant of Uncertain Significance.

Ambry Genetics
Classification: Uncertain significance for Inborn genetic diseases. Last evaluated: 2023-02-16. Review status: criteria provided, single submitter. Criteria: Ambry Variant Classification Scheme 2023. Collection method: clinical testing. Allele origin: germline.